The following is an entry in ClinVar:

ClinVar aggregate classification (germline): Uncertain significance. Review status: criteria provided, multiple submitters, no conflicts (2 of 4 stars). 2 submissions from 2 submitters: Uncertain significance (2). Last evaluated 2025-04-13.

gnomAD v4.1: 89 of 1,612,604 alleles (0.0055%); highest among the groups gnomAD compares: South Asian, 0.021%; no homozygotes.

Submissions (2):

Ambry Genetics
Classification: Uncertain significance. Last evaluated: 2025-04-13. Review status: criteria provided, single submitter. Criteria: Ambry Variant Classification Scheme 2023. Collection method: clinical testing. Allele origin: germline.

Labcorp Genetics (formerly Invitae), Labcorp
Classification: Uncertain significance. Last evaluated: 2024-04-25. Review status: criteria provided, single submitter. Criteria: Invitae Variant Classification Sherloc (09022015). Collection method: clinical testing. Allele origin: germline.
Comment: This sequence change replaces alanine, which is neutral and non-polar, with threonine, which is neutral and polar, at codon 591 of the SYNPO protein (p.Ala591Thr). This variant is present in population databases (rs762693766, gnomAD 0.01%). This variant has not been reported in the literature in individuals affected with SYNPO-related conditions. An algorithm developed to predict the effect of missense changes on protein structure and function (PolyPhen-2) suggests that this variant is likely to be disruptive. In summary, the available evidence is currently insufficient to determine the role of this variant in disease. Therefore, it has been classified as a Variant of Uncertain Significance.

NM_007286.6(SYNPO):c.1771G>A (p.Ala591Thr)

Gene: SYNPO (synaptopodin; plus strand). Cytogenetic location: 5q33.1.
Variant type: single nucleotide variant.
Coding change: c.1771G>A on transcript NM_007286.6 (MANE Select); coding-DNA position 1771, G replaced by A.
Protein change: p.Ala591Thr; replaces alanine 591 with threonine.
Molecular consequence: missense variant.
Genome position (GRCh38, 1-based): chr5:150,650,046, G>A. VCF-style: chr5-150650046-G-A. GRCh37 (hg19) VCF-style: chr5-150029608-G-A.
Other names: c.2503G>A (NM_001166208.1); c.1771G>A, p.Ala591Thr (NM_001109974.3); c.2503G>A, p.Ala835Thr (NM_001166208.2, NM_001166209.2); short protein forms A591T, A835T.
Identifiers: ClinVar variation 3626638 (VCV003626638.3).
Genomic context (GRCh38, chr5:150,650,046, plus strand): 5'-CTCTTTGTCCTCTCACCTATCAAGGAGCCTGCCAAGGTCTCACCAAGAGCTGCCTCGCCC[G>A]CCAAGCCCAGCTCCTTGGACCTGGTGCCCAACCTGCCCAAGGGGGCTCTCCCTCCATCTC-3'
Protein context (NP_009217.3, residues 581-601): AKVSPRAASP[Ala591Thr]KPSSLDLVPN